The following is an entry in ClinVar:

ClinVar aggregate classification (germline): Pathogenic (1 of 4 stars; one submission).

Submission:

GeneDx
Classification: Pathogenic. Last evaluated: 2016-06-02. Review status: criteria provided, single submitter. Criteria: GeneDx Variant Classification (06012015). Collection method: clinical testing. Allele origin: germline. Affected: yes.
Comment: The c.681dupC variant in the GATA3 gene has not been reported previously as a pathogenic variant nor as a benign variant, to our knowledge. The c.681dupC variant causes a frameshift starting with codon Glutamic Acid 228, changes this amino acid to an Arginine residue, and creates a premature Stop codon at position 76 of the new reading frame, denoted p.Glu228ArgfsX76. This variant is predicted to cause loss of normal protein function either through protein truncation or nonsense-mediated mRNA decay. The c.681dupC variant was not observed in approximately 6500 individuals of European and African American ancestry in the NHLBI Exome Sequencing Project, indicating it is not a common benign variant in these populations. We interpret c.681dupC as a pathogenic variant.

NM_001002295.2(GATA3):c.681dup (p.Glu228fs)

Gene: GATA3 (GATA binding protein 3; plus strand). Cytogenetic location: 10p14.
Variant type: Duplication.
Coding change: c.681dup on transcript NM_001002295.2 (MANE Select); coding-DNA position 681, one base duplicated (C; older notation c.681dupC).
Protein change: p.Glu228fs; shifts the reading frame from glutamic acid 228.
Molecular consequence: frameshift variant.
Genome position (GRCh38, 1-based): chr10:8,058,744, C duplicated; the last of 3 consecutive C bases (chr10:8,058,742-8,058,744); duplicating any one gives the same sequence. VCF-style (leftmost placement, unchanged base first): chr10-8058741-G-GC. GRCh37 (hg19) VCF-style: chr10-8100704-G-GC.
Other names: c.681dup, p.Glu228fs (NM_002051.3); short protein forms E228fs.
Identifiers: ClinVar variation 280652 (VCV000280652.2), dbSNP rs1554794901, ClinGen allele CA10603070.
Genomic context (GRCh38, chr10:8,058,741, plus strand): 5'-CGCCCTGGGTGGAGCCTCCTCGTCGACCCACCACCCCATCACCACCTACCCGCCCTACGT[G>GC]CCCGAGTACAGCTCCGGACTCTTCCCCCCCAGCAGCCTGCTGGGCGGCTCCCCCACCGGC-3'